The following is an entry in ClinVar:

ClinVar aggregate classification (germline): Uncertain significance (1 of 4 stars; one submission).

Conditions:
Primary ciliary dyskinesia 15. Also called: CILIARY DYSKINESIA, PRIMARY, 15, WITH OR WITHOUT SITUS INVERSUS. Identifiers: Orphanet 244, MedGen C3151137, MONDO:0013435, OMIM 613808.

Submission:

Juno Genomics, Hangzhou Juno Genomics, Inc
Classification: Uncertain significance for Primary ciliary dyskinesia 15. Review status: criteria provided, single submitter. Criteria: ACMG Guidelines, 2015. Collection method: clinical testing. Allele origin: germline.
Comment: Absent from controls (or at extremely low frequency if recessive) in Genome Aggregation Database.;Multiple lines of computational evidence support a deleterious effect on the gene or gene product.

NM_017950.4(CCDC40):c.1989+920del

Gene: CCDC40 (coiled-coil domain 40 molecular ruler complex subunit; plus strand). Cytogenetic location: 17q25.3.
Variant type: Deletion.
Coding change: c.1989+920del on transcript NM_017950.4 (MANE Select); 920 bases into the intron after coding-DNA position 1989, one base deleted (G; older notation c.1989+920delG).
Molecular consequence: intron variant.
Genome position (GRCh38, 1-based): chr17:80,082,978, G deleted; the last of 4 consecutive G bases (chr17:80,082,975-80,082,978); deleting any one gives the same sequence. VCF-style (leftmost placement, unchanged base first): chr17-80082974-TG-T. GRCh37 (hg19) VCF-style: chr17-78056773-TG-T.
Other names: c.1989+920del (NM_001243342.2).
Identifiers: ClinVar variation 5019686 (VCV005019686.2).